The following is an entry in ClinVar:

ClinVar aggregate classification (germline): Pathogenic (1 of 4 stars; one submission).

Conditions:
Nemaline myopathy 5 (NEM5A). Also called: Nemaline myopathy 5, Amish type; NEMALINE MYOPATHY, AMISH TYPE; NEMALINE MYOPATHY 5A, AUTOSOMAL RECESSIVE, SEVERE INFANTILE. Identifiers: Orphanet 98902, MedGen C1854380, MONDO:0011539, OMIM 605355.

Submission:

Labcorp Genetics (formerly Invitae), Labcorp
Classification: Pathogenic for Nemaline myopathy 5. Last evaluated: 2024-07-20. Review status: criteria provided, single submitter. Criteria: Invitae Variant Classification Sherloc (09022015). Collection method: clinical testing. Allele origin: germline.
Comment: This sequence change creates a premature translational stop signal (p.Ala144Glufs*38) in the TNNT1 gene. It is expected to result in an absent or disrupted protein product. Loss-of-function variants in TNNT1 are known to be pathogenic (PMID: 10952871, 24689076, 25430424). This variant is not present in population databases (gnomAD no frequency). This variant has not been reported in the literature in individuals affected with TNNT1-related conditions. For these reasons, this variant has been classified as Pathogenic.

Literature cited by the submitters: PubMed 10952871; PubMed 24689076; PubMed 25430424.

NM_003283.6(TNNT1):c.431del (p.Ala144fs)

Gene: TNNT1 (troponin T1, slow skeletal type; minus strand). Cytogenetic location: 19q13.42.
Variant type: Deletion.
Coding change: c.431del on transcript NM_003283.6 (MANE Select); coding-DNA position 431, one base deleted (C; older notation c.431delC).
Protein change: p.Ala144fs; shifts the reading frame from alanine 144.
Molecular consequence: frameshift variant.
Genome position (GRCh38, 1-based): chr19:55,138,031, G deleted on the plus strand (C on the coding strand, the reverse complement: TNNT1 is on the minus strand). VCF-style (leftmost placement, unchanged base first): chr19-55138030-TG-T. GRCh37 (hg19) VCF-style: chr19-55649398-TG-T.
Other names: c.431del, p.Ala144fs (NM_001126132.3); c.398del, p.Ala133fs (NM_001126133.3, NM_001291774.2); short protein forms A133fs, A144fs.
Identifiers: ClinVar variation 3620500 (VCV003620500.2).